The following is an entry in ClinVar:

ClinVar aggregate classification (germline): Pathogenic. Review status: criteria provided, multiple submitters, no conflicts (2 of 4 stars). 2 submissions from 2 submitters: Pathogenic (2). Last evaluated 2025-12-12.

Conditions:
Warburg micro syndrome 1 (WARBM1). Identifiers: Orphanet 2510, MedGen C1838625, MONDO:0010822, OMIM 600118.

gnomAD v4.1: 3 of 1,590,608 alleles (0.00019%); highest among the groups gnomAD compares: South Asian, 0.0022%; no homozygotes.

Submissions (2):

Variantyx, Inc.
Classification: Pathogenic for Warburg micro syndrome 1. Last evaluated: 2025-12-12. Review status: criteria provided, single submitter. Criteria: Variantyx Assertion Criteria 2022. Collection method: clinical testing. Allele origin: germline. Inheritance: Autosomal recessive inheritance. Affected: yes.
Comment: This is a nonsense variant in the RAB3GAP1 gene (OMIM: 602536). Pathogenic variants in this gene have been associated with autosomal recessive Warburg micro syndrome 1. This variant introduces a premature termination codon in exon 8 out of 24 and is expected to result in loss of function, which is a known disease mechanism for RAB3GAP1 in this disorder (PMID: 23420520) (PVS1). This variant has a 0.0022% maximum allele frequency in non-founder control populations (PM2). Based on the current evidence, this variant is classified as pathogenic for autosomal recessive Warburg micro syndrome 1.

GeneDx
Classification: Pathogenic. Last evaluated: 2024-12-05. Review status: criteria provided, single submitter. Criteria: GeneDx Variant Classification Process June 2021. Collection method: clinical testing. Allele origin: germline. Affected: yes.
Comment: Nonsense variant predicted to result in protein truncation or nonsense mediated decay in a gene for which loss of function is a known mechanism of disease; Not observed at significant frequency in large population cohorts (gnomAD); Has not been previously published as pathogenic or benign to our knowledge

Literature cited by the submitters: PubMed 23420520 (cited by Variantyx, Inc.).

NM_012233.3(RAB3GAP1):c.736C>T (p.Gln246Ter)

Gene: RAB3GAP1 (RAB3 GTPase activating protein catalytic subunit 1; plus strand). Cytogenetic location: 2q21.3.
Variant type: single nucleotide variant.
Coding change: c.736C>T on transcript NM_012233.3 (MANE Select); coding-DNA position 736, C replaced by T.
Protein change: p.Gln246Ter; replaces glutamine 246 with a stop codon.
Molecular consequence: nonsense.
Genome position (GRCh38, 1-based): chr2:135,120,906, C>T. VCF-style: chr2-135120906-C-T. GRCh37 (hg19) VCF-style: chr2-135878476-C-T.
Other names: c.736C>T, p.Gln246Ter (NM_001172435.2); short protein forms Q246*.
Identifiers: ClinVar variation 3901645 (VCV003901645.2).